The following is an entry in ClinVar:

NM_001326411.2(PISD):c.321+5G>C

Gene: PISD (phosphatidylserine decarboxylase; minus strand). Cytogenetic location: 22q12.2.
Variant type: single nucleotide variant.
Coding change: c.321+5G>C on transcript NM_001326411.2 (MANE Select); 5 bases into the intron after coding-DNA position 321, G replaced by C.
Molecular consequence: intron variant.
Genome position (GRCh38, 1-based): chr22:31,648,096, C>G on the plus strand (G>C on the coding strand, the complement: PISD is on the minus strand). VCF-style: chr22-31648096-C-G. GRCh37 (hg19) VCF-style: chr22-32044082-C-G.
Other names: c.321+5G>C (NM_001326412.1, NM_001326421.1); c.141+5G>C (NM_001326420.2, NM_001326418.2); c.92+5G>C (NM_001326413.2, NM_001326414.2); c.-202+5G>C (NM_001326415.2, NM_001326419.2, NM_001326417.2); c.-311+5G>C (NM_001326416.2).
Identifiers: ClinVar variation 3696684 (VCV003696684.2).

ClinVar aggregate classification (germline): Uncertain significance (1 of 4 stars; one submission).

Submission:

Labcorp Genetics (formerly Invitae), Labcorp
Classification: Uncertain significance. Last evaluated: 2024-07-03. Review status: criteria provided, single submitter. Criteria: Invitae Variant Classification Sherloc (09022015). Collection method: clinical testing. Allele origin: germline.
Comment: This sequence change falls in intron 3 of the PISD gene. It does not directly change the encoded amino acid sequence of the PISD protein. It affects a nucleotide within the consensus splice site. This variant is not present in population databases (gnomAD no frequency). This variant has not been reported in the literature in individuals affected with PISD-related conditions. Variants that disrupt the consensus splice site are a relatively common cause of aberrant splicing (PMID: 17576681, 9536098). Algorithms developed to predict the effect of sequence changes on RNA splicing suggest that this variant may disrupt the consensus splice site. In summary, the available evidence is currently insufficient to determine the role of this variant in disease. Therefore, it has been classified as a Variant of Uncertain Significance.

Literature cited by the submitters: PubMed 17576681; PubMed 9536098.